The following is an entry in ClinVar:

ClinVar aggregate classification (germline): Uncertain significance (1 of 4 stars; one submission).

Conditions:
Hereditary cancer-predisposing syndrome. Also called: Hereditary neoplastic syndrome; Neoplastic Syndromes, Hereditary; Tumor predisposition; Hereditary Cancer Syndrome. Identifiers: Orphanet 140162, MedGen C0027672, MeSH D009386, MONDO:0015356.

Submission:

Ambry Genetics
Classification: Uncertain significance for Hereditary cancer-predisposing syndrome. Last evaluated: 2025-08-27. Review status: criteria provided, single submitter. Criteria: Ambry Variant Classification Scheme 2023. Collection method: clinical testing. Allele origin: germline.
Comment: The p.R70S variant (also known as c.210G>T), located in coding exon 3 of the MUTYH gene, results from a G to T substitution at nucleotide position 210. The arginine at codon 70 is replaced by serine, an amino acid with dissimilar properties. This amino acid position is conserved. In addition, this alteration is predicted to be tolerated by in silico analysis. Based on the available evidence, the clinical significance of this variant remains unclear.

NM_001048174.2(MUTYH):c.126G>T (p.Arg42Ser)

Gene: MUTYH (mutY DNA glycosylase; minus strand). Cytogenetic location: 1p34.1.
Variant type: single nucleotide variant.
Coding change: c.126G>T on transcript NM_001048174.2 (MANE Select); coding-DNA position 126, G replaced by T.
Protein change: p.Arg42Ser; replaces arginine 42 with serine.
Molecular consequence: missense variant. On other transcripts: 5 prime UTR variant (1), non-coding transcript variant (5), intron variant (5).
Genome position (GRCh38, 1-based): chr1:45,333,551, C>A on the plus strand (G>T on the coding strand, the complement: MUTYH is on the minus strand). VCF-style: chr1-45333551-C-A. GRCh37 (hg19) VCF-style: chr1-45799223-C-A.
Other names: c.126G>T, p.Arg42Ser (NM_001048171.2, NM_001048173.2, NM_001293195.2 and 6 more transcripts); c.129G>T, p.Arg43Ser (NM_001048172.2, NM_001407071.1, NM_001407078.1 and 2 more transcripts); c.210G>T, p.Arg70Ser (NM_001128425.2); c.171G>T, p.Arg57Ser (NM_001293190.2); c.159G>T, p.Arg53Ser (NM_001293191.2, NM_001407077.1); c.-146G>T (NM_001350650.2); c.201G>T, p.Arg67Ser (NM_001407069.1, NM_012222.3); c.168G>T, p.Arg56Ser (NM_001407073.1, NM_001407083.1, NM_001407085.1); and 4 more; short protein forms R14S, R56S, R43S, R70S, R49S, R57S, R67S, R42S.
Identifiers: ClinVar variation 4113502 (VCV004113502.1).